The following is an entry in ClinVar:

ClinVar aggregate classification (germline): Uncertain significance (1 of 4 stars; one submission).

Submission:

Women's Health and Genetics/Laboratory Corporation of America, LabCorp
Classification: Uncertain significance. Last evaluated: 2025-10-10. Review status: criteria provided, single submitter. Criteria: LabCorp Variant Classification Summary - May 2015. Collection method: clinical testing. Allele origin: germline.
Comment: Variant summary: HSPB1 c.587C>T (p.Ala196Val) results in a non-conservative amino acid change in the encoded protein sequence. Algorithms developed to predict the effect of missense changes on protein structure and function all suggest that this variant is likely to be disruptive. The variant was absent in 244986 control chromosomes. The available data on variant occurrences in the general population are insufficient to allow any conclusion about variant significance. To our knowledge, no occurrence of c.587C>T in individuals affected with HSPB1-related conditions and no experimental evidence demonstrating its impact on protein function have been reported. No submitters have cited clinical-significance assessments for this variant to ClinVar. Based on the evidence outlined above, the variant was classified as uncertain significance.

NM_001540.5(HSPB1):c.587C>T (p.Ala196Val)

Gene: HSPB1 (heat shock protein family B (small) member 1; plus strand). Cytogenetic location: 7q11.23.
Variant type: single nucleotide variant.
Coding change: c.587C>T on transcript NM_001540.5 (MANE Select); coding-DNA position 587, C replaced by T.
Protein change: p.Ala196Val; replaces alanine 196 with valine.
Molecular consequence: missense variant.
Genome position (GRCh38, 1-based): chr7:76,304,142, C>T. VCF-style: chr7-76304142-C-T. GRCh37 (hg19) VCF-style: chr7-75933459-C-T.
Other names: short protein forms A196V.
Identifiers: ClinVar variation 4687373 (VCV004687373.1).
Genomic context (GRCh38, chr7:76,304,142, plus strand): 5'-CCAACGAGATCACCATCCCAGTCACCTTCGAGTCGCGGGCCCAGCTTGGGGGCCCAGAAG[C>T]TGCAAAATCCGATGAGACTGCCGCCAAGTAAAGCCTTAGCCCGGATGCCCACCCCTGCTG-3'
Protein context (NP_001531.1, residues 186-205): ESRAQLGGPE[Ala196Val]AKSDETAAK